The following is an entry in ClinVar:

NM_006397.3(RNASEH2A):c.397G>A (p.Val133Met)

Gene: RNASEH2A (ribonuclease H2 subunit A; plus strand). Cytogenetic location: 19p13.13.
Variant type: single nucleotide variant.
Coding change: c.397G>A on transcript NM_006397.3 (MANE Select); coding-DNA position 397, G replaced by A.
Protein change: p.Val133Met; replaces valine 133 with methionine.
Molecular consequence: missense variant.
Genome position (GRCh38, 1-based): chr19:12,807,492, G>A. VCF-style: chr19-12807492-G-A. GRCh37 (hg19) VCF-style: chr19-12918306-G-A.
Other names: short protein forms V133M.
Identifiers: ClinVar variation 1060849 (VCV001060849.6), dbSNP rs1969012072, ClinGen allele CA404266461.

ClinVar aggregate classification (germline): Uncertain significance (1 of 4 stars; one submission).

Conditions:
Aicardi-Goutieres syndrome 4. Identifiers: Orphanet 51, MedGen C1835912, MONDO:0012472, OMIM 610333.

Allele frequency attached by ClinVar (database versions not stated): TOPMed below 0.00001.

Submission:

Labcorp Genetics (formerly Invitae), Labcorp
Classification: Uncertain significance for Aicardi-Goutieres syndrome 4. Last evaluated: 2021-08-27. Review status: criteria provided, single submitter. Criteria: Invitae Variant Classification Sherloc (09022015). Collection method: clinical testing. Allele origin: germline.
Comment: This sequence change replaces valine with methionine at codon 133 of the RNASEH2A protein (p.Val133Met). The valine residue is highly conserved and there is a small physicochemical difference between valine and methionine. This variant is not present in population databases (ExAC no frequency). This variant has not been reported in the literature in individuals affected with RNASEH2A-related conditions. Algorithms developed to predict the effect of missense changes on protein structure and function are either unavailable or do not agree on the potential impact of this missense change (SIFT: "Deleterious"; PolyPhen-2: "Probably Damaging"; Align-GVGD: "Class C15"). In summary, the available evidence is currently insufficient to determine the role of this variant in disease. Therefore, it has been classified as a Variant of Uncertain Significance.